The following is an entry in ClinVar:

NM_014053.4(FLVCR1):c.901C>T (p.Arg301Trp)

Gene: FLVCR1 (FLVCR choline and heme transporter 1; plus strand). Cytogenetic location: 1q32.3.
Variant type: single nucleotide variant.
Coding change: c.901C>T on transcript NM_014053.4 (MANE Select); coding-DNA position 901, C replaced by T.
Protein change: p.Arg301Trp; replaces arginine 301 with tryptophan.
Molecular consequence: missense variant.
Genome position (GRCh38, 1-based): chr1:212,872,695, C>T. VCF-style: chr1-212872695-C-T. GRCh37 (hg19) VCF-style: chr1-213046037-C-T.
Other names: p.Arg301Trp; c.901C>T (NM_014053.3); short protein forms R301W.
Identifiers: ClinVar variation 1058167 (VCV001058167.8), dbSNP rs144013956, ClinGen allele CA1386000.
Genomic context (GRCh38, chr1:212,872,695, plus strand): 5'-ATATATATTAAATATACATAATCCTTTTCGTGTATATTCTCAGCCTTCAAAGAAAAACCT[C>T]GGTATCCACCAAGTCAGGCTCAAGCAGCTCTTCAAGACAGTCCCCCTGAAGAGTACTCCT-3'
Protein context (NP_054772.1, residues 291-311): LTAIAFKEKP[Arg301Trp]YPPSQAQAAL

ClinVar aggregate classification (germline): Uncertain significance. Review status: criteria provided, multiple submitters, no conflicts (2 of 4 stars). 3 submissions from 3 submitters: Uncertain significance (3). Last evaluated 2023-07-14.

Conditions:
Inborn genetic diseases. Identifiers: MedGen C0950123, MeSH D030342.

Allele frequency attached by ClinVar (database versions not stated): ExAC 0.00005; gnomAD 0.00005; gnomAD exomes 0.00006 and 0.00008; TOPMed 0.00006; ESP Exome Variant Server 0.00008.
gnomAD v4.1: 120 of 1,613,238 alleles (0.0074%); highest among the groups gnomAD compares: South Asian, 0.013%; no homozygotes.

Submissions (3):

Ambry Genetics
Classification: Uncertain significance for Inborn genetic diseases. Last evaluated: 2023-07-14. Review status: criteria provided, single submitter. Criteria: Ambry Variant Classification Scheme 2023. Collection method: clinical testing. Allele origin: germline.

Mayo Clinic Laboratories, Mayo Clinic
Classification: Uncertain significance. Last evaluated: 2022-05-26. Review status: criteria provided, single submitter. Criteria: ACMG Guidelines, 2015. Collection method: clinical testing. Allele origin: germline. Observed: 1 variant allele.
Comment: BP4, PM2

Labcorp Genetics (formerly Invitae), Labcorp
Classification: Uncertain significance. Last evaluated: 2022-03-26. Review status: criteria provided, single submitter. Criteria: Invitae Variant Classification Sherloc (09022015). Collection method: clinical testing. Allele origin: germline.
Comment: This sequence change replaces arginine, which is basic and polar, with tryptophan, which is neutral and slightly polar, at codon 301 of the FLVCR1 protein (p.Arg301Trp). This variant is present in population databases (rs144013956, gnomAD 0.02%). This variant has not been reported in the literature in individuals affected with FLVCR1-related conditions. ClinVar contains an entry for this variant (Variation ID: 1058167). Algorithms developed to predict the effect of missense changes on protein structure and function are either unavailable or do not agree on the potential impact of this missense change (SIFT: "Deleterious"; PolyPhen-2: "Benign"; Align-GVGD: "Class C0"). In summary, the available evidence is currently insufficient to determine the role of this variant in disease. Therefore, it has been classified as a Variant of Uncertain Significance.